The following is an entry in ClinVar:

NM_194436.3(LDHD):c.622C>T (p.His208Tyr)

Gene: LDHD (lactate dehydrogenase D; minus strand). Cytogenetic location: 16q23.1.
Variant type: single nucleotide variant.
Coding change: c.622C>T on transcript NM_194436.3 (MANE Select); coding-DNA position 622, C replaced by T.
Protein change: p.His208Tyr; replaces histidine 208 with tyrosine.
Molecular consequence: missense variant.
Genome position (GRCh38, 1-based): chr16:75,114,533, G>A on the plus strand (C>T on the coding strand, the complement: LDHD is on the minus strand). VCF-style: chr16-75114533-G-A. GRCh37 (hg19) VCF-style: chr16-75148431-G-A.
Other names: NC_000016.9:g.75148431G>A; c.622C>T, p.His208Tyr (NM_153486.4); c.622C>T (NM_153486.3); short protein forms H208Y.
Identifiers: ClinVar variation 1711412 (VCV001711412.32), dbSNP rs144025042, ClinGen allele CA8172506.
Genomic context (GRCh38, chr16:75,114,533, plus strand): 5'-CCCGCCAGCAGTGCCCAGGGCCAGAGCCCGGGCCCCCCGCAGAGGGCGCTCACCGGAAAT[G>A]CCGGCCTCGGCCCGCCGTGTGCAGCAGCCGCCCGTCGGGCAGCACCACCTCCAGGTTGAG-3'
Protein context (NP_919417.1, residues 198-218): RLLHTAGRGR[His208Tyr]FRKSAAGYNL

ClinVar aggregate classification (germline): Benign. Review status: criteria provided, single submitter (1 of 4 stars). 2 submissions from 2 submitters: Benign (1). 1 of the submissions does not count toward it. Last evaluated 2025-04-01.

Conditions:
LDHD-related disorder. Also called: LDHD-related condition.

Allele frequency attached by ClinVar (database versions not stated): 1000 Genomes Project 30x 0.00578; 1000 Genomes Project 0.00579; TOPMed 0.00650; ESP Exome Variant Server 0.00818; gnomAD 0.00887; gnomAD exomes 0.01003; ExAC 0.01240.

Submissions (14):

CeGaT Center for Human Genetics Tuebingen
Classification: Benign. Last evaluated: 2025-04-01. Review status: criteria provided, single submitter. Criteria: CeGaT Center For Human Genetics Tuebingen Variant Classification Criteria Version 2. Collection method: clinical testing. Allele origin: germline. Affected: yes. Observed: 2 variant alleles.
Comment: LDHD: BP4, BS1, BS2

PreventionGenetics, part of Exact Sciences
Classification: Benign for LDHD-related condition. Last evaluated: 2019-11-04. Review status: no assertion criteria provided. Collection method: clinical testing. Allele origin: germline. Not counted in ClinVar's aggregate classification.
Comment: This variant is classified as benign based on ACMG/AMP sequence variant interpretation guidelines (Richards et al. 2015 PMID: 25741868, with internal and published modifications).

Dr. Peter K. Rogan Lab, Western University
No classification provided (evidence only). Condition: Lung cancer. Review status: no classification provided. Collection method: in vitro. Allele origin: not applicable. Functional consequence: retained intron. Not counted in ClinVar's aggregate classification.

Dr. Peter K. Rogan Lab, Western University
No classification provided (evidence only). Condition: Hepatocellular carcinoma. Review status: no classification provided. Collection method: in vitro. Allele origin: not applicable. Functional consequence: retained intron. Not counted in ClinVar's aggregate classification.

Dr. Peter K. Rogan Lab, Western University
No classification provided (evidence only). Condition: Hepatocellular carcinoma. Review status: no classification provided. Collection method: in vitro. Allele origin: not applicable. Functional consequence: retained intron. Not counted in ClinVar's aggregate classification.

Dr. Peter K. Rogan Lab, Western University
No classification provided (evidence only). Condition: Hepatocellular carcinoma. Review status: no classification provided. Collection method: in vitro. Allele origin: not applicable. Functional consequence: retained intron. Not counted in ClinVar's aggregate classification.

Dr. Peter K. Rogan Lab, Western University
No classification provided (evidence only). Condition: Hepatocellular carcinoma. Review status: no classification provided. Collection method: in vitro. Allele origin: not applicable. Functional consequence: retained intron. Not counted in ClinVar's aggregate classification.

Dr. Peter K. Rogan Lab, Western University
No classification provided (evidence only). Condition: Thymoma. Review status: no classification provided. Collection method: in vitro. Allele origin: not applicable. Functional consequence: retained intron. Not counted in ClinVar's aggregate classification.

Dr. Peter K. Rogan Lab, Western University
No classification provided (evidence only). Condition: Cholangiocarcinoma. Review status: no classification provided. Collection method: in vitro. Allele origin: not applicable. Functional consequence: retained intron. Not counted in ClinVar's aggregate classification.

Dr. Peter K. Rogan Lab, Western University
No classification provided (evidence only). Condition: Ovarian serous cystadenocarcinoma. Review status: no classification provided. Collection method: in vitro. Allele origin: not applicable. Functional consequence: retained intron. Not counted in ClinVar's aggregate classification.

Dr. Peter K. Rogan Lab, Western University
No classification provided (evidence only). Condition: Ovarian serous cystadenocarcinoma. Review status: no classification provided. Collection method: in vitro. Allele origin: not applicable. Functional consequence: retained intron. Not counted in ClinVar's aggregate classification.

Dr. Peter K. Rogan Lab, Western University
No classification provided (evidence only). Condition: Malignant tumor of esophagus. Review status: no classification provided. Collection method: in vitro. Allele origin: not applicable. Functional consequence: retained intron. Not counted in ClinVar's aggregate classification.

Dr. Peter K. Rogan Lab, Western University
No classification provided (evidence only). Condition: Malignant tumor of esophagus. Review status: no classification provided. Collection method: in vitro. Allele origin: not applicable. Functional consequence: retained intron. Not counted in ClinVar's aggregate classification.

Dr. Peter K. Rogan Lab, Western University
No classification provided (evidence only). Condition: Malignant tumor of esophagus. Review status: no classification provided. Collection method: in vitro. Allele origin: not applicable. Functional consequence: retained intron. Not counted in ClinVar's aggregate classification.